The following is an entry in ClinVar:

NM_144573.4(NEXN):c.1918_1922del (p.Tyr640fs)

Gene: NEXN (nexilin F-actin binding protein; plus strand). Cytogenetic location: 1p31.1.
Variant type: Deletion.
Coding change: c.1918_1922del on transcript NM_144573.4 (MANE Select); coding-DNA positions 1918 to 1922, 5 bases deleted (TACTT; older notation c.1918_1922delTACTT).
Protein change: p.Tyr640fs; shifts the reading frame from tyrosine 640.
Molecular consequence: frameshift variant.
Genome position (GRCh38, 1-based): chr1:77,942,719-77,942,723, TACTT deleted; deleting any 5 consecutive bases within chr1:77,942,716-77,942,723 gives the same sequence; the c. name uses the placement nearest the transcript's 3' end. VCF-style (leftmost placement, unchanged base first): chr1-77942715-CCTTTA-C. GRCh37 (hg19) VCF-style: chr1-78408400-CCTTTA-C.
Other names: c.1918_1922delTACTT (NM_144573.3); c.1726_1730del, p.Tyr576fs (NM_001172309.2); short protein forms Y640fs, Y576fs.
Identifiers: ClinVar variation 470680 (VCV000470680.16), dbSNP rs1222794437, ClinGen allele CA658656943.
Genomic context (GRCh38, chr1:77,942,715, plus strand): 5'-AGGAGAAATACTGCAGGATGGAGAAGACTATCAATATATTGAAAGGGGAGAAACTTACTG[CCTTTA>C]CTTACCAGAAACTTTCCCAGAAGATGGAGGAGAGTATATGTGTAAAGCAGTCAACAATAA-3'

ClinVar aggregate classification (germline): Uncertain significance. Review status: criteria provided, multiple submitters, no conflicts (2 of 4 stars). 5 submissions from 5 submitters: Uncertain significance (5). Last evaluated 2024-09-30.

Conditions:
Hypertrophic cardiomyopathy 20. Identifiers: MedGen C3151267, MONDO:0013477, OMIM 613876.
Dilated cardiomyopathy 1CC (CMD1CC). Identifiers: Orphanet 154, MedGen C2751084, MONDO:0013147, OMIM 613122.
Cardiovascular phenotype. Identifiers: MedGen CN230736.

Submissions (5):

Labcorp Genetics (formerly Invitae), Labcorp
Classification: Uncertain significance for Dilated cardiomyopathy 1CC; Hypertrophic cardiomyopathy 20. Last evaluated: 2024-09-30. Review status: criteria provided, single submitter. Criteria: Invitae Variant Classification Sherloc (09022015). Collection method: clinical testing. Allele origin: germline.
Comment: This sequence change creates a premature translational stop signal (p.Tyr640Thrfs*14) in the NEXN gene. While this is not anticipated to result in nonsense mediated decay, it is expected to disrupt the last 36 amino acid(s) of the NEXN protein. This variant is not present in population databases (gnomAD no frequency). This variant has not been reported in the literature in individuals affected with NEXN-related conditions. ClinVar contains an entry for this variant (Variation ID: 470680). Experimental studies and prediction algorithms are not available or were not evaluated, and the functional significance of this variant is currently unknown. In summary, the available evidence is currently insufficient to determine the role of this variant in disease. Therefore, it has been classified as a Variant of Uncertain Significance.

GeneDx
Classification: Uncertain significance. Last evaluated: 2022-12-07. Review status: criteria provided, single submitter. Criteria: GeneDx Variant Classification Process June 2021. Collection method: clinical testing. Allele origin: germline. Affected: yes.
Comment: Has not been previously published as pathogenic or benign to our knowledge; Not observed at significant frequency in large population cohorts (gnomAD); Frameshift variant predicted to result in protein truncation as the last 36 amino acids are lost and replaced with 13 incorrect amino acids; however, loss-of-function variants have not been reported downstream of this position in the protein, and the majority of the NEXN variants reported in HGMD are missense variants (HGMD)

AiLife Diagnostics
Classification: Uncertain significance. Last evaluated: 2022-02-23. Review status: criteria provided, single submitter. Criteria: ACMG Guidelines, 2015. Collection method: clinical testing. Allele origin: germline. Affected: yes. Observed: 1 variant allele.

Ambry Genetics
Classification: Uncertain significance for Cardiovascular phenotype. Last evaluated: 2020-04-28. Review status: criteria provided, single submitter. Criteria: Ambry Variant Classification Scheme 2023. Collection method: clinical testing. Allele origin: germline.
Comment: The c.1918_1922delTACTT variant, located in coding exon 12 of the NEXN gene, results from a deletion of five nucleotides at positions 1918 to 1922, causing a translational frameshift with a predicted alternate stop codon (p.Y640Tfs*14). This frameshift occurs at the 3' terminus of NEXN, is not expected to trigger nonsense-mediated mRNA decay, and impacts only the last 36 amino acids of the protein. The exact functional impact of these altered amino acids is unknown at this time. Since supporting evidence is limited at this time, the clinical significance of this alteration remains unclear.

Stanford Center for Inherited Cardiovascular Disease, Stanford University
Classification: Uncertain significance. Last evaluated: 2017-04-25. Review status: criteria provided, single submitter. Criteria: ACMG Guidelines, 2015. Collection method: provider interpretation. Allele origin: germline.